The following is an entry in ClinVar:

ClinVar aggregate classification (germline): Uncertain significance. Review status: criteria provided, multiple submitters, no conflicts (2 of 4 stars). 2 submissions from 2 submitters: Uncertain significance (2). Last evaluated 2026-07-08.

Conditions:
Hereditary cancer-predisposing syndrome. Also called: Hereditary Cancer Syndrome; Tumor predisposition; Neoplastic Syndromes, Hereditary; Hereditary neoplastic syndrome. Identifiers: Orphanet 140162, MedGen C0027672, MeSH D009386, MONDO:0015356.

Submissions (2):

Ambry Genetics
Classification: Uncertain significance for Hereditary cancer-predisposing syndrome. Last evaluated: 2026-07-08. Review status: criteria provided, single submitter. Criteria: Ambry Variant Classification Scheme 2023. Collection method: clinical testing. Allele origin: germline.
Comment: The p.K412N variant (also known as c.1236G>C), located in coding exon 13 of the POLE gene, results from a G to C substitution at nucleotide position 1236. The lysine at codon 412 is replaced by asparagine, an amino acid with similar properties. This amino acid position is conserved. In addition, this alteration is predicted to be tolerated by in silico analysis. Based on the available evidence, the clinical significance of this variant remains unclear.

Labcorp Genetics (formerly Invitae), Labcorp
Classification: Uncertain significance. Last evaluated: 2025-07-22. Review status: criteria provided, single submitter. Criteria: Invitae Variant Classification Sherloc (09022015). Collection method: clinical testing. Allele origin: germline.
Comment: This sequence change replaces lysine, which is basic and polar, with asparagine, which is neutral and polar, at codon 412 of the POLE protein (p.Lys412Asn). This variant is not present in population databases (gnomAD no frequency). This variant has not been reported in the literature in individuals affected with POLE-related conditions. ClinVar contains an entry for this variant (Variation ID: 1489505). Invitae Evidence Modeling of protein sequence and biophysical properties (such as structural, functional, and spatial information, amino acid conservation, physicochemical variation, residue mobility, and thermodynamic stability) indicates that this missense variant is not expected to disrupt POLE protein function with a negative predictive value of 80%. In summary, the available evidence is currently insufficient to determine the role of this variant in disease. Therefore, it has been classified as a Variant of Uncertain Significance.

NM_006231.4(POLE):c.1236G>C (p.Lys412Asn)

Gene: POLE (DNA polymerase epsilon, catalytic subunit; minus strand). Cytogenetic location: 12q24.33.
Variant type: single nucleotide variant.
Coding change: c.1236G>C on transcript NM_006231.4 (MANE Select); coding-DNA position 1236, G replaced by C.
Protein change: p.Lys412Asn; replaces lysine 412 with asparagine.
Molecular consequence: missense variant.
Genome position (GRCh38, 1-based): chr12:132,673,698, C>G on the plus strand (G>C on the coding strand, the complement: POLE is on the minus strand). VCF-style: chr12-132673698-C-G. GRCh37 (hg19) VCF-style: chr12-133250284-C-G.
Other names: c.1236G>C (NM_006231.2); short protein forms K412N.
Identifiers: ClinVar variation 1489505 (VCV001489505.7), dbSNP rs2136000851, ClinGen allele CA387359731.